The following is an entry in ClinVar:

NM_001374736.1(DST):c.11853T>G (p.Leu3951=)

Gene: DST (dystonin; minus strand). Cytogenetic location: 6p12.1.
Variant type: single nucleotide variant.
Coding change: c.11853T>G on transcript NM_001374736.1 (MANE Select); coding-DNA position 11853, T replaced by G.
Protein change: p.Leu3951=; no amino-acid change (leucine 3951 retained).
Molecular consequence: synonymous variant.
Genome position (GRCh38, 1-based): chr6:56,598,551, A>C on the plus strand (T>G on the coding strand, the complement: DST is on the minus strand). VCF-style: chr6-56598551-A-C. GRCh37 (hg19) VCF-style: chr6-56463349-A-C.
Other names: c.5496T>G, p.Leu1832= (NM_001144769.5); c.5082T>G, p.Leu1694= (NM_001144770.2); c.11853T>G, p.Leu3951= (NM_001374722.1); c.11220T>G, p.Leu3740= (NM_001374729.1); c.4962T>G, p.Leu1654= (NM_001374730.1, NM_001386100.1, NM_183380.4); c.11880T>G, p.Leu3960= (NM_001374734.1); c.3984T>G, p.Leu1328= (NM_015548.5).
Identifiers: ClinVar variation 4977491 (VCV004977491.1).

ClinVar aggregate classification (germline): Likely benign (1 of 4 stars; one submission).

Conditions:
DST-related disorder. Also called: DST-related condition; DST-related disorders.

gnomAD v4.1: 5 of 1,610,296 alleles (0.00031%); highest among the groups gnomAD compares: Non-Finnish European, 0.00042%; no homozygotes.

Submission:

PreventionGenetics, part of Exact Sciences
Classification: Likely benign for DST-related condition. Last evaluated: 2025-09-20. Review status: criteria provided, single submitter. Criteria: ACMG Guidelines, 2015. Collection method: clinical testing. Allele origin: germline.
Comment: This variant is classified as likely benign based on ACMG/AMP sequence variant interpretation guidelines (Richards et al. 2015 PMID: 25741868, with internal and published modifications).